The following is an entry in ClinVar:

NM_001375834.1(WIPF1):c.1084A>G (p.Ser362Gly)

Gene: WIPF1 (WAS/WASL interacting protein family member 1; minus strand). Cytogenetic location: 2q31.1.
Variant type: single nucleotide variant.
Coding change: c.1084A>G on transcript NM_001375834.1 (MANE Select); coding-DNA position 1084, A replaced by G.
Protein change: p.Ser362Gly; replaces serine 362 with glycine.
Molecular consequence: missense variant.
Genome position (GRCh38, 1-based): chr2:174,571,721, T>C on the plus strand (A>G on the coding strand, the complement: WIPF1 is on the minus strand). VCF-style: chr2-174571721-T-C. GRCh37 (hg19) VCF-style: chr2-175436449-T-C.
Other names: c.1084A>G, p.Ser362Gly (NM_001077269.1, NM_001375832.1, NM_001375833.1 and 5 more transcripts); c.706A>G, p.Ser236Gly (NM_001375839.1); short protein forms S362G, S236G.
Identifiers: ClinVar variation 540142 (VCV000540142.6), dbSNP rs147847123, ClinGen allele CA1974004.

ClinVar aggregate classification (germline): Uncertain significance (1 of 4 stars; one submission).

Conditions:
Wiskott-Aldrich syndrome 2 (WAS2). Also called: WIPF1 DEFICIENCY. Identifiers: Orphanet 906, MedGen C3281001, MONDO:0013779, OMIM 614493.

Allele frequency attached by ClinVar (database versions not stated): ExAC 0.00001; gnomAD exomes 0.00001 and 0.00003; gnomAD 0.00011; TOPMed 0.00014; ESP Exome Variant Server 0.00015.
gnomAD v4.1: 33 of 1,613,840 alleles (0.002%); highest among the groups gnomAD compares: African/African-American, 0.044%; no homozygotes.

Submission:

Labcorp Genetics (formerly Invitae), Labcorp
Classification: Uncertain significance for Wiskott-Aldrich syndrome 2. Last evaluated: 2022-08-21. Review status: criteria provided, single submitter. Criteria: Invitae Variant Classification Sherloc (09022015). Collection method: clinical testing. Allele origin: germline.
Comment: This sequence change replaces serine, which is neutral and polar, with glycine, which is neutral and non-polar, at codon 362 of the WIPF1 protein (p.Ser362Gly). This variant is present in population databases (rs147847123, gnomAD 0.06%). This variant has not been reported in the literature in individuals affected with WIPF1-related conditions. ClinVar contains an entry for this variant (Variation ID: 540142). Algorithms developed to predict the effect of missense changes on protein structure and function are either unavailable or do not agree on the potential impact of this missense change (SIFT: "Not Available"; PolyPhen-2: "Benign"; Align-GVGD: "Not Available"). Algorithms developed to predict the effect of sequence changes on RNA splicing suggest that this variant may create or strengthen a splice site. In summary, the available evidence is currently insufficient to determine the role of this variant in disease. Therefore, it has been classified as a Variant of Uncertain Significance.